The following continues an entry in ClinVar:

NM_000059.4(BRCA2):c.6082_6086del (p.Glu2028fs)

Gene: BRCA2. ClinVar aggregate classification (germline): Pathogenic. Pathogenic (1).

Submissions 12 to 24 of 24:

Quest Diagnostics Nichols Institute San Juan Capistrano
Classification: Pathogenic. Last evaluated: 2023-12-13. Review status: criteria provided, single submitter. Criteria: Quest Diagnostics criteria. Collection method: clinical testing. Allele origin: unknown. Not counted in ClinVar's aggregate classification.
Comment: The BRCA2 c.6082_6086del (p.Glu2028Lysfs*19) variant alters the translational reading frame of the BRCA2 mRNA and causes the premature termination of BRCA2 protein synthesis. This variant has been reported in the published literature in individuals affected with breast and/or ovarian cancer (PMIDs: 32380732 (2020), 30720863 (2019), 26541979 (2016), 26681312 (2015), 11389159 (2001)). The frequency of this variant in the general population, 0.000004 (1/250972 chromosomes (Genome Aggregation Database)), is consistent with pathogenicity. Based on the available information, this variant is classified as pathogenic.

Baylor Genetics
Classification: Pathogenic for Familial cancer of breast. Last evaluated: 2023-10-04. Review status: criteria provided, single submitter. Criteria: ACMG Guidelines, 2015. Collection method: clinical testing. Allele origin: unknown. Not counted in ClinVar's aggregate classification.

All of Us Research Program, National Institutes of Health
Classification: Pathogenic for Breast-ovarian cancer, familial, susceptibility to, 2. Last evaluated: 2023-09-18. Review status: criteria provided, single submitter. Criteria: ACMG Guidelines, 2015. Collection method: clinical testing. Allele origin: germline. Inheritance: Autosomal dominant inheritance. Observed: 2 variant alleles, 2 heterozygotes. Not counted in ClinVar's aggregate classification.
Comment: This variant deletes 5 nucleotides in exon 11 of the BRCA2 gene, creating a frameshift and premature translation stop signal. This variant is expected to result in an absent or non-functional protein product. This variant has been reported in at least eight individuals affected with breast and ovarian cancer (PMID: 11389159, 26028024, 26360800, 26541979, 26681312, 26733283, 28993434, 29470806, 30720863). This variant has been identified in 1/250972 chromosomes in the general population by the Genome Aggregation Database (gnomAD). Loss of BRCA2 function is a known mechanism of disease. Based on the available evidence, this variant is classified as Pathogenic.

This study involves interpretation of variants in research participants for the purpose of population health screening. Participant phenotype was not available at the time of variant classification. Additional details can be found in publication PMID: 35346344, PMCID: PMC8962531

Neuberg Centre For Genomic Medicine, NCGM
Classification: Pathogenic for Breast-ovarian cancer, familial, susceptibility to, 2. Last evaluated: 2023-03-01. Review status: criteria provided, single submitter. Criteria: ACMG Guidelines, 2015. Collection method: clinical testing. Allele origin: germline. Inheritance: Autosomal dominant inheritance. Affected: yes. Not counted in ClinVar's aggregate classification.
Comment: The frameshift c.6082_6086del (p.Glu2028LysfsTer19) variant in the BRCA2 gene has been reported previously in heterozygous state in multiple individuals affected with breast and ovarian cancer (Bergthorsson, J T et al., 2001). This variant is reported with the allele frequency (0.0003%) in the gnomAD Exomes and novel in 1000 Genomes. It is submitted to ClinVar as Pathogenic (multiple submissions). This variant causes a frameshift starting at codon 2028 where Glutamic acid changes to Lysine residue, and creates a premature Stop codon at position 19 of the new reading frame, denoted p.Glu2028LysfsTer19. This variant is predicted to cause loss of normal protein function through protein truncation. Loss of function variants have been previously reported to be disease causing. For these reasons, this variant has been classified as Pathogenic.

Revvity Omics, Revvity
Classification: Pathogenic. Last evaluated: 2022-08-04. Review status: criteria provided, single submitter. Criteria: ACMG Guidelines, 2015. Collection method: clinical testing. Allele origin: germline. Not counted in ClinVar's aggregate classification.

National Health Laboratory Service, Universitas Academic Hospital and University of the Free State
Classification: Pathogenic for Hereditary breast ovarian cancer syndrome. Last evaluated: 2021-11-16. Review status: criteria provided, single submitter. Criteria: ACMG Guidelines, 2015. Collection method: clinical testing. Allele origin: germline. Affected: yes. Observed: 1 variant allele. Not counted in ClinVar's aggregate classification.

Consortium of Investigators of Modifiers of BRCA1/2 (CIMBA), c/o University of Cambridge
Classification: Pathogenic for Breast-ovarian cancer, familial, susceptibility to, 2. Last evaluated: 2015-10-02. Review status: criteria provided, single submitter. Criteria: CIMBA Mutation Classification guidelines May 2016. Collection method: clinical testing. Allele origin: germline. Not counted in ClinVar's aggregate classification.

Counsyl
Classification: Pathogenic for Breast-ovarian cancer, familial, susceptibility to, 2. Last evaluated: 2016-12-11. Review status: no assertion criteria provided. Collection method: clinical testing. Allele origin: unknown. Not counted in ClinVar's aggregate classification.

Foulkes Cancer Genetics LDI, Lady Davis Institute for Medical Research
Classification: Pathogenic for Breast and/or ovarian cancer. Last evaluated: 2014-06-02. Review status: no assertion criteria provided. Collection method: clinical testing. Allele origin: germline. Study: The Canadian Open Genetics Repository (COGR). Not counted in ClinVar's aggregate classification.

Research Molecular Genetics Laboratory, Women's College Hospital, University of Toronto
Classification: Pathogenic for Hereditary breast ovarian cancer syndrome. Last evaluated: 2014-01-31. Review status: no assertion criteria provided. Collection method: research. Allele origin: germline. Affected: yes. Study: The Canadian Open Genetics Repository (COGR). Not counted in ClinVar's aggregate classification.

Sharing Clinical Reports Project (SCRP)
Classification: Pathogenic for Breast-ovarian cancer, familial 2. Last evaluated: 2009-09-29. Review status: no assertion criteria provided. Collection method: clinical testing. Allele origin: germline. Not counted in ClinVar's aggregate classification.

Breast Cancer Information Core (BIC) (BRCA2)
Classification: Pathogenic for Breast-ovarian cancer, familial 2. Last evaluated: 1999-06-22. Review status: no assertion criteria provided. Collection method: clinical testing. Allele origin: germline. Affected: yes. Observed: 1 variant allele. Not counted in ClinVar's aggregate classification.

Department of Pathology and Laboratory Medicine, Sinai Health System
Classification: Pathogenic for Malignant tumor of breast. Review status: no assertion criteria provided. Collection method: clinical testing. Allele origin: unknown. Affected: yes. Study: The Canadian Open Genetics Repository (COGR). Not counted in ClinVar's aggregate classification.
Comment: The variant was also identified in dbSNP â€šÃ„ÃºWith Pathogenic alleleâ€šÃ„Ã¹, HGMD, LOVD, the BIC database (1X with clinical importance), and UMD (4X as a causal variant). The variant was classified as pathogenic by the Sharing Clinical Reports Project (SCRP) (submitted within the ClinVar database and derived from Myriad reports). The Glu2028LysfsX19 deletion variant is predicted to cause a frameshift, which alters the protein's amino acid sequence beginning at codon 2028 and leads to a premature stop codon 19 codons downstream. This alteration is then predicted to result in a truncated or absent protein and loss of function. Loss of function variants of the BRCA2 gene are an established mechanism of disease in hereditary breast and ovarian cancer and is the type of variant expected to cause the disorder. In summary, based on the above information, this variant meets our laboratoryâ€šÃ„Ã´s criteria to be classified as pathogenic.

Literature cited by the submitters: PubMed 30720863 (cited by 4 submitters); PubMed 28993434 (cited by 4 submitters); PubMed 20104584 (cited by Labcorp Genetics (formerly Invitae), Labcorp); PubMed 11389159 (cited by 4 submitters); PubMed 21120943 (cited by Labcorp Genetics (formerly Invitae), Labcorp); PubMed 26028024 (cited by 4 submitters); PubMed 26360800 (cited by 6 submitters); PubMed 26541979 (cited by 5 submitters); PubMed 26681312 (cited by 5 submitters); PubMed 26733283 (cited by 4 submitters); PubMed 29470806 (cited by 3 submitters); PubMed 35464868 (cited by Color Diagnostics, LLC DBA Color Health); PubMed 32854451 (cited by Women's Health and Genetics/Laboratory Corporation of America, LabCorp); PubMed 32380732 (cited by Quest Diagnostics Nichols Institute San Juan Capistrano); DOI 10.3389/fgene.2022.834265 (cited by National Health Laboratory Service, Universitas Academic Hospital and University of the Free State).